The following is an entry in ClinVar:

ClinVar aggregate classification (germline): Benign/Likely benign. Review status: criteria provided, multiple submitters, no conflicts (2 of 4 stars). 2 submissions from 2 submitters: Benign (1); Likely benign (1). Last evaluated 2025-10-30.

Allele frequency attached by ClinVar (database versions not stated): TOPMed 0.00012; gnomAD exomes 0.00040 and 0.00091; ExAC 0.00067; gnomAD 0.00076 and 0.00080.
gnomAD v4.1: 681 of 1,612,234 alleles (0.042%); highest among the groups gnomAD compares: Non-Finnish European, 0.013%; 3 homozygotes.

Submissions (2):

Women's Health and Genetics/Laboratory Corporation of America, LabCorp
Classification: Likely benign. Last evaluated: 2025-10-30. Review status: criteria provided, single submitter. Criteria: LabCorp Variant Classification Summary - May 2015. Collection method: clinical testing. Allele origin: germline.
Comment: Variant summary: PSMG2 c.88T>C (p.Tyr30His) results in a conservative amino acid change in the encoded protein sequence. Algorithms developed to predict the effect of missense changes on protein structure and function are either unavailable or do not agree on the potential impact of this missense change. The variant allele was found at a frequency of 0.00091 in 250822 control chromosomes, predominantly at a frequency of 0.0091 within the Finnish subpopulation in the gnomAD database, including 2 homozygotes. The observed variant frequency within Finnish control individuals in the gnomAD database exceeds the estimated maximal expected allele frequency for disease-causing variants in PSMG2. To our knowledge, no occurrence of c.88T>C in individuals affected with PSMG2-related conditions and no experimental evidence demonstrating its impact on protein function have been reported. ClinVar contains an entry for this variant (Variation ID: 1599082). Based on the evidence outlined above, the variant was classified as likely benign.

Labcorp Genetics (formerly Invitae), Labcorp
Classification: Benign. Last evaluated: 2025-08-20. Review status: criteria provided, single submitter. Criteria: Invitae Variant Classification Sherloc (09022015). Collection method: clinical testing. Allele origin: germline.

NM_020232.5(PSMG2):c.181T>C (p.Tyr61His)

Gene: PSMG2 (proteasome assembly chaperone 2; plus strand). Cytogenetic location: 18p11.21.
Variant type: single nucleotide variant.
Coding change: c.181T>C on transcript NM_020232.5 (MANE Select); coding-DNA position 181, T replaced by C.
Protein change: p.Tyr61His; replaces tyrosine 61 with histidine.
Molecular consequence: missense variant.
Genome position (GRCh38, 1-based): chr18:12,706,673, T>C. VCF-style: chr18-12706673-T-C. GRCh37 (hg19) VCF-style: chr18-12706672-T-C.
Other names: c.88T>C, p.Tyr30His (NM_147163.2); short protein forms Y30H, Y61H.
Identifiers: ClinVar variation 1599082 (VCV001599082.9), dbSNP rs201114531, ClinGen allele CA8898307.